The following is an entry in ClinVar:

NM_201384.3(PLEC):c.5941C>T (p.Arg1981Trp)

Gene: PLEC (plectin; minus strand). Cytogenetic location: 8q24.3.
Variant type: single nucleotide variant.
Coding change: c.5941C>T on transcript NM_201384.3 (MANE Select); coding-DNA position 5941, C replaced by T.
Protein change: p.Arg1981Trp; replaces arginine 1981 with tryptophan.
Molecular consequence: missense variant.
Genome position (GRCh38, 1-based): chr8:143,923,988, G>A on the plus strand (C>T on the coding strand, the complement: PLEC is on the minus strand). VCF-style: chr8-143923988-G-A. GRCh37 (hg19) VCF-style: chr8-144998156-G-A.
Other names: c.6022C>T, p.Arg2008Trp (NM_000445.5); c.5899C>T, p.Arg1967Trp (NM_201378.4); c.5875C>T, p.Arg1959Trp (NM_201379.3); c.6352C>T, p.Arg2118Trp (NM_201380.4); c.5845C>T, p.Arg1949Trp (NM_201381.3); c.5941C>T, p.Arg1981Trp (NM_201382.4); c.5953C>T, p.Arg1985Trp (NM_201383.3); short protein forms R1949W, R1959W, R1967W, R1981W, R1985W, R2008W, R2118W.
Identifiers: ClinVar variation 383543 (VCV000383543.13), dbSNP rs962321651, ClinGen allele CA4926178.

ClinVar aggregate classification (germline): Conflicting classifications of pathogenicity. Review status: criteria provided, conflicting classifications (1 of 4 stars). 5 submissions from 5 submitters: Uncertain significance (3); Likely benign (2). Last evaluated 2025-12-15.

Conditions:
Epidermolysis bullosa simplex 5C, with pyloric atresia (EBS5C). Also called: PLEC-Related Epidermolysis Bullosa with Pyloric Atresia; Epidermolysis bullosa simplex with pyloric atresia; PLEC1-Related Epidermolysis Bullosa with Pyloric Atresia. Identifiers: Orphanet 158684, MedGen C2677349, MONDO:0012807, OMIM 612138.
Autosomal recessive limb-girdle muscular dystrophy type 2Q (LGMDR17). Also called: MUSCULAR DYSTROPHY, LIMB-GIRDLE, AUTOSOMAL RECESSIVE 17. Identifiers: Orphanet 254361, MedGen C3150989, MONDO:0013390, OMIM 613723.
Epidermolysis bullosa simplex with nail dystrophy (EBS5D). Identifiers: MedGen C4225309, MONDO:0014661, OMIM 616487.
Epidermolysis bullosa simplex 5B, with muscular dystrophy (EBS5B). Also called: EPIDERMOLYSIS BULLOSA SIMPLEX AND LIMB-GIRDLE MUSCULAR DYSTROPHY; Epidermolysis bullosa simplex with muscular dystrophy. Identifiers: Orphanet 257, MedGen C2931072, MONDO:0009181, OMIM 226670.
Epidermolysis bullosa simplex, Ogna type (EBS5A). Also called: EPIDERMOLYSIS BULLOSA SIMPLEX 5A, OGNA TYPE; Pidermolysis bullosa simplex 5A, Ogna type. Identifiers: Orphanet 79401, MedGen C0432317, MONDO:0007555, OMIM 131950.
Inborn genetic diseases. Identifiers: MedGen C0950123, MeSH D030342.

Allele frequency attached by ClinVar (database versions not stated): gnomAD 0.00011 and 0.00009; gnomAD exomes 0.00012; ExAC 0.00010; TOPMed 0.00010.
gnomAD v4.1: 178 of 1,585,040 alleles (0.011%); highest among the groups gnomAD compares: Non-Finnish European, 0.012%; no homozygotes.

Submissions (5):

Labcorp Genetics (formerly Invitae), Labcorp
Classification: Uncertain significance for Autosomal recessive limb-girdle muscular dystrophy type 2Q; Epidermolysis bullosa simplex, Ogna type; Epidermolysis bullosa simplex with nail dystrophy; Epidermolysis bullosa simplex 5C, with pyloric atresia; Epidermolysis bullosa simplex 5B, with muscular dystrophy. Last evaluated: 2025-12-15. Review status: criteria provided, single submitter. Criteria: Invitae Variant Classification Sherloc (09022015). Collection method: clinical testing. Allele origin: germline.
Comment: This sequence change replaces arginine, which is basic and polar, with tryptophan, which is neutral and slightly polar, at codon 2008 of the PLEC protein (p.Arg2008Trp). This variant is present in population databases (no rsID available, gnomAD 0.06%). This variant has not been reported in the literature in individuals affected with PLEC-related conditions. ClinVar contains an entry for this variant (Variation ID: 383543). Experimental studies and prediction algorithms are not available or were not evaluated, and the functional significance of this variant is currently unknown. In summary, the available evidence is currently insufficient to determine the role of this variant in disease. Therefore, it has been classified as a Variant of Uncertain Significance.

Ambry Genetics
Classification: Uncertain significance for Inborn genetic diseases. Last evaluated: 2025-08-07. Review status: criteria provided, single submitter. Criteria: Ambry Variant Classification Scheme 2023. Collection method: clinical testing. Allele origin: germline.

Blueprint Genetics
Classification: Likely benign. Last evaluated: 2024-08-07. Review status: criteria provided, single submitter. Criteria: ACMG Guidelines, 2015. Collection method: clinical testing. Allele origin: germline.

Revvity Omics, Revvity
Classification: Uncertain significance. Last evaluated: 2024-05-23. Review status: criteria provided, single submitter. Criteria: ACMG Guidelines, 2015. Collection method: clinical testing. Allele origin: germline.

GeneDx
Classification: Likely benign. Last evaluated: 2016-02-03. Review status: criteria provided, single submitter. Criteria: GeneDx Variant Classification (06012015). Collection method: clinical testing. Allele origin: germline. Affected: yes.
Comment: This variant is considered likely benign or benign based on one or more of the following criteria: it is a conservative change, it occurs at a poorly conserved position in the protein, it is predicted to be benign by multiple in silico algorithms, and/or has population frequency not consistent with disease.